The following is an entry in ClinVar:

NM_005908.4(MANBA):c.2158-114A>G

Gene: MANBA (mannosidase beta; minus strand). Cytogenetic location: 4q24.
Variant type: single nucleotide variant.
Coding change: c.2158-114A>G on transcript NM_005908.4 (MANE Select); 114 bases into the intron before coding-DNA position 2158, A replaced by G.
Molecular consequence: intron variant.
Genome position (GRCh38, 1-based): chr4:102,635,159, T>C on the plus strand (A>G on the coding strand, the complement: MANBA is on the minus strand). VCF-style: chr4-102635159-T-C. GRCh37 (hg19) VCF-style: chr4-103556316-T-C.
Identifiers: ClinVar variation 667475 (VCV000667475.2), dbSNP rs909349, ClinGen allele CA15306337.
Genomic context (GRCh38, chr4:102,635,159, plus strand): 5'-AAGGAACAATAGTAGTAATAATTGCTGAAAGTCAGGTTAGCAGAAATGGTTAAGAGACTA[T>C]GAAACCTGAGTTTTAATCCCAGTCCTGCAAAATACTAGCTATGTGACTAAGTAACTTCTC-3'

ClinVar aggregate classification (germline): Benign. Review status: criteria provided, multiple submitters, no conflicts (2 of 4 stars). 2 submissions from 2 submitters: Benign (2). Last evaluated 2018-06-19.

Allele frequency attached by ClinVar (database versions not stated): gnomAD exomes 0.51659; gnomAD 0.53612; 1000 Genomes Project 0.54453; 1000 Genomes Project 30x 0.55294; TOPMed 0.56090.
gnomAD v4.1: 617,217 of 1,185,184 alleles (52%); highest among the groups gnomAD compares: Admixed American, 68%; 163,663 homozygotes.

Submissions (2):

GeneDx
Classification: Benign. Last evaluated: 2018-06-19. Review status: criteria provided, single submitter. Criteria: GeneDx Variant Classification (06012015). Collection method: clinical testing. Allele origin: germline. Affected: yes.
Comment: This variant is considered likely benign or benign based on one or more of the following criteria: it is a conservative change, it occurs at a poorly conserved position in the protein, it is predicted to be benign by multiple in silico algorithms, and/or has population frequency not consistent with disease.

Breakthrough Genomics
Classification: Benign. Review status: criteria provided, single submitter. Criteria: ACMG Guidelines, 2015. Collection method: not provided. Allele origin: germline. Inheritance: Autosomal recessive inheritance. Affected: yes.